The following is an entry in ClinVar:

NM_003809.3(TNFSF12):c.109del (p.Leu37fs)

Genes: TNFSF12 (TNF superfamily member 12; plus strand), TNFSF12-TNFSF13 (TNFSF12-TNFSF13 readthrough; plus strand). Cytogenetic location: 17p13.1.
Variant type: Deletion.
Coding change: c.109del on transcript NM_003809.3 (MANE Select); coding-DNA position 109, one base deleted (C; older notation c.109delC).
Protein change: p.Leu37fs; shifts the reading frame from leucine 37.
Molecular consequence: frameshift variant. On other transcripts: non-coding transcript variant (1).
Genome position (GRCh38, 1-based): chr17:7,549,262, C deleted; the last of 2 consecutive C bases (chr17:7,549,261-7,549,262); deleting either gives the same sequence. VCF-style (leftmost placement, unchanged base first): chr17-7549260-GC-G. GRCh37 (hg19) VCF-style: chr17-7452577-GC-G.
Other names: c.109del, p.Leu37fs (NM_172089.4); short protein forms L37fs.
Identifiers: ClinVar variation 2955715 (VCV002955715.3), dbSNP rs1319644977, ClinGen allele CA775067317.
Genomic context (GRCh38, chr17:7,549,260, plus strand): 5'-CGGGCACCGCCCTGCTGGTCCCGCTCGCGCTGGGCCTGGGCCTGGCGCTGGCCTGCCTCG[GC>G]CTCCTGCTGGCCGTGGTCAGTTTGGGGAGCCGGGCATCGCTGTCCGCCCAGGTGAGGCCC-3'

ClinVar aggregate classification (germline): Uncertain significance (1 of 4 stars; one submission).

Conditions:
Common variable immunodeficiency (CVID). Also called: Common variable hypogamma-globulinemia; Common variable agammaglobulinemia. Identifiers: Orphanet 1572, MedGen C0009447, MONDO:0015517.

Submission:

Labcorp Genetics (formerly Invitae), Labcorp
Classification: Uncertain significance for Common variable immunodeficiency. Last evaluated: 2023-04-20. Review status: criteria provided, single submitter. Criteria: Invitae Variant Classification Sherloc (09022015). Collection method: clinical testing. Allele origin: germline.
Comment: In summary, the available evidence is currently insufficient to determine the role of this variant in disease. Therefore, it has been classified as a Variant of Uncertain Significance. This variant has not been reported in the literature in individuals affected with TNFSF12-related conditions. This sequence change creates a premature translational stop signal (p.Leu37Serfs*35) in the TNFSF12 gene. It is expected to result in an absent or disrupted protein product. However, the current clinical and genetic evidence is not sufficient to establish whether loss-of-function variants in TNFSF12 cause disease. This variant is not present in population databases (gnomAD no frequency).